The following is an entry in ClinVar:

ClinVar aggregate classification (germline): Pathogenic. Review status: criteria provided, multiple submitters, no conflicts (2 of 4 stars). 6 submissions from 6 submitters: Pathogenic (6). Last evaluated 2026-08-26.

Conditions:
Mitochondrial complex II deficiency, nuclear type 1. Also called: SUCCINATE CoQ REDUCTASE DEFICIENCY. Identifiers: Orphanet 3208, MedGen C5700310, MONDO:0100294, OMIM 252011.
Pheochromocytoma/paraganglioma syndrome 5. Also called: Paragangliomas 5; SDHA-Related Hereditary Paraganglioma-Pheochromocytoma Syndrome. Identifiers: Orphanet 29072, MedGen C3279992, MONDO:0013602, OMIM 614165.
Hereditary cancer-predisposing syndrome. Also called: Hereditary Cancer Syndrome; Tumor predisposition; Hereditary neoplastic syndrome; Neoplastic Syndromes, Hereditary. Identifiers: Orphanet 140162, MedGen C0027672, MeSH D009386, MONDO:0015356.
Gastrointestinal stromal tumor. Also called: Gastrointestinal stromal tumor, somatic; Gastrointestinal stroma tumor. Identifiers: Orphanet 44890, MedGen C0238198, MeSH D046152, MONDO:0011719, OMIM 606764, HP:0100723.
Dilated cardiomyopathy 1GG (CMD1GG). Identifiers: Orphanet 154, MedGen C3150898, MONDO:0013339, OMIM 613642.

Submissions (6):

Myriad Genetics, Inc.
Classification: Pathogenic for Pheochromocytoma/paraganglioma syndrome 5. Last evaluated: 2026-08-26. Review status: criteria provided, single submitter. Criteria: Myriad Autosomal Dominant, Autosomal Recessive and X-Linked Classification Criteria (2023). Collection method: clinical testing. Allele origin: unknown.
Comment: This variant is considered pathogenic. This variant occurs within a consensus splice junction and is predicted to result in abnormal mRNA splicing of either an out-of-frame exon or an in-frame exon necessary for protein stability and/or normal function. This variant has been reported in multiple individuals with clinical features of gene-specific disease [PMID: 23612575, 23109135, 28384794, 26269449].

Quest Diagnostics Nichols Institute San Juan Capistrano
Classification: Pathogenic. Last evaluated: 2025-04-09. Review status: criteria provided, single submitter. Criteria: Quest Diagnostics criteria. Collection method: clinical testing. Allele origin: unknown.
Comment: The SDHA c.457-2_457del variant disrupts a canonical splice-acceptor site and interferes with normal SDHA mRNA splicing. This variant has been reported in the published literature in individuals with gastrointestinal stromal tumors (PMID: 35059314 (2021), 23109135 (2013)). This variant has not been reported in large, multi-ethnic general populations (Genome Aggregation Database). Based on the available information, this variant is classified as pathogenic.

Ambry Genetics
Classification: Pathogenic for Hereditary cancer-predisposing syndrome. Last evaluated: 2024-12-26. Review status: criteria provided, single submitter. Criteria: Ambry Variant Classification Scheme 2023. Collection method: clinical testing. Allele origin: germline.
Comment: The c.457-2_457delAGC pathogenic mutation results from a deletion of AGC nucleotides between positions 457-2 and 457 and involves the canonical splice acceptor site before coding exon 5 of the SDHA gene. This mutation (also designated as c.457-3_457-1delCAG) has been reported as germline in individuals with gastrointestinal stromal tumors (GISTs) that demonstrated absent SDHB staining by IHC (Belinsky MG et al. Genes Chromosomes Cancer 2013 02;52(2):214-24; Pantaleo MA et al. Eur J Hum Genet 2014 Jan;22(1):32-9). In silico splice site analysis predicts that this alteration will weaken the native splice acceptor site and will result in the creation or strengthening of a novel splice acceptor site. RNA studies have demonstrated that this alteration results in abnormal splicing in the set of samples tested (Ambry internal data). This variant is considered to be rare based on population cohorts in the Genome Aggregation Database (gnomAD). In addition to the clinical data presented in the literature, alterations that disrupt the canonical splice site are expected to cause aberrant splicing, resulting in an abnormal protein or a transcript that is subject to nonsense-mediated mRNA decay. As such, this alteration is interpreted as a disease-causing mutation.

Labcorp Genetics (formerly Invitae), Labcorp
Classification: Pathogenic for Pheochromocytoma/paraganglioma syndrome 5; Mitochondrial complex II deficiency, nuclear type 1. Last evaluated: 2024-01-31. Review status: criteria provided, single submitter. Criteria: Invitae Variant Classification Sherloc (09022015). Collection method: clinical testing. Allele origin: germline.
Comment: This sequence change affects a splice site in intron 4 of the SDHA gene. It is expected to disrupt RNA splicing. Variants that disrupt the donor or acceptor splice site typically lead to a loss of protein function (PMID: 16199547), and loss-of-function variants in SDHA are known to be pathogenic (PMID: 22974104, 24781757). This variant is not present in population databases (gnomAD no frequency). Disruption of this splice site has been observed in individuals with gastrointestinal stromal tumor (GIST) (PMID: 23109135, 23612575; Invitae). This variant is also known as c.457-3_457-1delCAG. ClinVar contains an entry for this variant (Variation ID: 239672). Algorithms developed to predict the effect of sequence changes on RNA splicing suggest that this variant may disrupt the consensus splice site. For these reasons, this variant has been classified as Pathogenic.

Baylor Genetics
Classification: Pathogenic for Dilated cardiomyopathy 1GG. Last evaluated: 2023-11-12. Review status: criteria provided, single submitter. Criteria: ACMG Guidelines, 2015. Collection method: clinical testing. Allele origin: unknown.

“Giorgio Prodi” Cancer Research Center, University of Bologna
Classification: Pathogenic for Gastrointestinal stromal tumor. Last evaluated: 2021-10-01. Review status: criteria provided, single submitter. Criteria: ACMG Guidelines, 2015. Collection method: research. Allele origin: germline. Affected: yes. Observed: 1 variant allele.

Literature cited by the submitters: PubMed 23612575 (cited by 4 submitters); PubMed 23109135 (cited by 4 submitters); PubMed 28384794 (cited by Myriad Genetics, Inc.); PubMed 26269449 (cited by Myriad Genetics, Inc.); PubMed 35059314 (cited by Quest Diagnostics Nichols Institute San Juan Capistrano); PubMed 16199547 (cited by Labcorp Genetics (formerly Invitae), Labcorp); PubMed 22974104 (cited by Labcorp Genetics (formerly Invitae), Labcorp); PubMed 24781757 (cited by Labcorp Genetics (formerly Invitae), Labcorp).

NM_004168.4(SDHA):c.457-2_457del

Gene: SDHA (succinate dehydrogenase complex flavoprotein subunit A; plus strand). Cytogenetic location: 5p15.33.
Variant type: Deletion.
Coding change: c.457-2_457del on transcript NM_004168.4 (MANE Select); the canonical splice acceptor site of the intron before coding-DNA position 457 through coding-DNA position 457, 3 bases deleted (AGC; older notation c.457-2_457delAGC).
Molecular consequence: splice acceptor variant.
Genome position (GRCh38, 1-based): chr5:225,881-225,883, AGC deleted; deleting any 3 consecutive bases within chr5:225,880-225,883 gives the same sequence; the c. name uses the placement nearest the transcript's 3' end. VCF-style (leftmost placement, unchanged base first): chr5-225879-ACAG-A. GRCh37 (hg19) VCF-style: chr5-225994-ACAG-A.
Other names: c.457-2_457del (NM_001330758.2); c.313-2_313del (NM_001294332.2); c.457-3_457-1delCAG (NM_004168.4).
Identifiers: ClinVar variation 239672 (VCV000239672.24), dbSNP rs878854632, ClinGen allele CA10582418.
Genomic context (GRCh38, chr5:225,879, plus strand): 5'-TTAGCTGCGAATATCTTGACTCCTTTAAGGTGTTAAGGTTTTTGTTTGTTTTTATCTTTC[ACAG>A]CTAGAAAATTATGGCATGCCGTTTAGCAGAACTGAAGATGGGAAGATTTATCAGCGTGCA-3'